The following is an entry in ClinVar:

NM_000843.4(GRM6):c.1723C>T (p.Pro575Ser)

Genes: GRM6 (glutamate metabotropic receptor 6; minus strand), ZNF454 (zinc finger protein 454; plus strand). Cytogenetic location: 5q35.3.
Variant type: single nucleotide variant.
Coding change: c.1723C>T on transcript NM_000843.4 (MANE Select); coding-DNA position 1723, C replaced by T.
Protein change: p.Pro575Ser; replaces proline 575 with serine.
Molecular consequence: missense variant.
Genome position (GRCh38, 1-based): chr5:178,986,531, G>A on the plus strand (C>T on the coding strand, the complement: GRM6 is on the minus strand). VCF-style: chr5-178986531-G-A. GRCh37 (hg19) VCF-style: chr5-178413532-G-A.
Other names: short protein forms P575S.
Identifiers: ClinVar variation 2062463 (VCV002062463.4), dbSNP rs775137930, ClinGen allele CA3593951.

ClinVar aggregate classification (germline): Uncertain significance (1 of 4 stars; one submission).

Allele frequency attached by ClinVar (database versions not stated): ExAC 0.00001; gnomAD 0.00001.
gnomAD v4.1: 2 of 1,608,142 alleles (0.00012%); highest among the groups gnomAD compares: Middle Eastern, 0.016%; no homozygotes.

Submission:

Labcorp Genetics (formerly Invitae), Labcorp
Classification: Uncertain significance. Last evaluated: 2024-02-24. Review status: criteria provided, single submitter. Criteria: Invitae Variant Classification Sherloc (09022015). Collection method: clinical testing. Allele origin: germline.
Comment: This sequence change replaces proline, which is neutral and non-polar, with serine, which is neutral and polar, at codon 575 of the GRM6 protein (p.Pro575Ser). This variant is present in population databases (rs775137930, gnomAD 0.0009%). This variant has not been reported in the literature in individuals affected with GRM6-related conditions. ClinVar contains an entry for this variant (Variation ID: 2062463). Advanced modeling of protein sequence and biophysical properties (such as structural, functional, and spatial information, amino acid conservation, physicochemical variation, residue mobility, and thermodynamic stability) performed at Invitae indicates that this missense variant is not expected to disrupt GRM6 protein function with a negative predictive value of 80%. In summary, the available evidence is currently insufficient to determine the role of this variant in disease. Therefore, it has been classified as a Variant of Uncertain Significance.